The following is an entry in ClinVar:

NM_004281.4(BAG3):c.784del (p.Ala262fs)

Gene: BAG3 (BAG cochaperone 3; plus strand). Cytogenetic location: 10q26.11.
Variant type: Deletion.
Coding change: c.784del on transcript NM_004281.4 (MANE Select); coding-DNA position 784, one base deleted (G; older notation c.784delG).
Protein change: p.Ala262fs; shifts the reading frame from alanine 262.
Molecular consequence: frameshift variant.
Genome position (GRCh38, 1-based): chr10:119,672,531, G deleted; the last of 3 consecutive G bases (chr10:119,672,529-119,672,531); deleting any one gives the same sequence. VCF-style (leftmost placement, unchanged base first): chr10-119672528-CG-C. GRCh37 (hg19) VCF-style: chr10-121432040-CG-C.
Other names: short protein forms A262fs.
Identifiers: ClinVar variation 3759579 (VCV003759579.2).

ClinVar aggregate classification (germline): Pathogenic (1 of 4 stars; one submission).

Conditions:
Dilated cardiomyopathy 1HH (CMD1HH). Identifiers: Orphanet 154, MedGen C3151293, MONDO:0013479, OMIM 613881.
Myofibrillar myopathy 6. Identifiers: Orphanet 199340, MedGen C2751831, MONDO:0013061, OMIM 612954.

Submission:

Labcorp Genetics (formerly Invitae), Labcorp
Classification: Pathogenic for Dilated cardiomyopathy 1HH; Myofibrillar myopathy 6. Last evaluated: 2025-01-14. Review status: criteria provided, single submitter. Criteria: Invitae Variant Classification Sherloc (09022015). Collection method: clinical testing. Allele origin: germline.
Comment: This sequence change creates a premature translational stop signal (p.Ala262Argfs*45) in the BAG3 gene. While this is not anticipated to result in nonsense mediated decay, it is expected to disrupt the last 314 amino acid(s) of the BAG3 protein. This variant is not present in population databases (gnomAD no frequency). This variant has not been reported in the literature in individuals affected with BAG3-related conditions. This variant disrupts a region of the BAG3 protein in which other variant(s) (p.Arg473*) have been determined to be pathogenic (PMID: 8436997, 32160020; internal data). This suggests that this is a clinically significant region of the protein, and that variants that disrupt it are likely to be disease-causing. For these reasons, this variant has been classified as Pathogenic.

Literature cited by the submitters: PubMed 8436997; PubMed 32160020.